The following is an entry in ClinVar:

ClinVar aggregate classification (germline): Uncertain significance (1 of 4 stars; one submission).

Conditions:
Sulfite oxidase deficiency. Also called: Isolated sulfite oxidase deficiency. Identifiers: Orphanet 833, Orphanet 99731, MedGen C0268624, MONDO:0010089, OMIM 272300, HP:0003643.

Allele frequency attached by ClinVar (database versions not stated): gnomAD exomes below 0.00001; TOPMed below 0.00001.
gnomAD v4.1: 4 of 1,614,156 alleles (0.00025%); highest among the groups gnomAD compares: East Asian, 0.0022%; no homozygotes.

Submission:

Labcorp Genetics (formerly Invitae), Labcorp
Classification: Uncertain significance for Sulfite oxidase deficiency. Last evaluated: 2025-01-13. Review status: criteria provided, single submitter. Criteria: Invitae Variant Classification Sherloc (09022015). Collection method: clinical testing. Allele origin: germline.
Comment: This sequence change replaces valine, which is neutral and non-polar, with methionine, which is neutral and non-polar, at codon 460 of the SUOX protein (p.Val460Met). This variant is not present in population databases (gnomAD no frequency). This variant has not been reported in the literature in individuals affected with SUOX-related conditions. ClinVar contains an entry for this variant (Variation ID: 1511573). Invitae Evidence Modeling of protein sequence and biophysical properties (such as structural, functional, and spatial information, amino acid conservation, physicochemical variation, residue mobility, and thermodynamic stability) indicates that this missense variant is expected to disrupt SUOX protein function with a positive predictive value of 80%. In summary, the available evidence is currently insufficient to determine the role of this variant in disease. Therefore, it has been classified as a Variant of Uncertain Significance.

NM_001032386.2(SUOX):c.1378G>A (p.Val460Met)

Gene: SUOX (sulfite oxidase; plus strand). Cytogenetic location: 12q13.2.
Variant type: single nucleotide variant.
Coding change: c.1378G>A on transcript NM_001032386.2 (MANE Select); coding-DNA position 1378, G replaced by A.
Protein change: p.Val460Met; replaces valine 460 with methionine.
Molecular consequence: missense variant.
Genome position (GRCh38, 1-based): chr12:56,004,767, G>A. VCF-style: chr12-56004767-G-A. GRCh37 (hg19) VCF-style: chr12-56398551-G-A.
Other names: c.1378G>A, p.Val460Met (NM_000456.3, NM_001032387.2); short protein forms V460M.
Identifiers: ClinVar variation 1511573 (VCV001511573.9), dbSNP rs1592831873, ClinGen allele CA385294140.